The following is an entry in ClinVar:

NM_004525.3(LRP2):c.8489A>G (p.His2830Arg)

Gene: LRP2 (LDL receptor related protein 2; minus strand). Cytogenetic location: 2q31.1.
Variant type: single nucleotide variant.
Coding change: c.8489A>G on transcript NM_004525.3 (MANE Select); coding-DNA position 8489, A replaced by G.
Protein change: p.His2830Arg; replaces histidine 2830 with arginine.
Molecular consequence: missense variant.
Genome position (GRCh38, 1-based): chr2:169,198,875, T>C on the plus strand (A>G on the coding strand, the complement: LRP2 is on the minus strand). VCF-style: chr2-169198875-T-C. GRCh37 (hg19) VCF-style: chr2-170055385-T-C.
Other names: c.8489A>G (NM_004525.2); short protein forms H2830R.
Identifiers: ClinVar variation 1061928 (VCV001061928.8), dbSNP rs1247708430, ClinGen allele CA349163971.

ClinVar aggregate classification (germline): Uncertain significance. Review status: criteria provided, multiple submitters, no conflicts (2 of 4 stars). 2 submissions from 2 submitters: Uncertain significance (2). Last evaluated 2026-01-15.

Conditions:
Inborn genetic diseases. Identifiers: MedGen C0950123, MeSH D030342.

Allele frequency attached by ClinVar (database versions not stated): gnomAD exomes 0.00001.
gnomAD v4.1: 8 of 1,613,880 alleles (0.0005%); highest among the groups gnomAD compares: Non-Finnish European, 0.00068%; no homozygotes.

Submissions (2):

Labcorp Genetics (formerly Invitae), Labcorp
Classification: Uncertain significance. Last evaluated: 2026-01-15. Review status: criteria provided, single submitter. Criteria: Invitae Variant Classification Sherloc (09022015). Collection method: clinical testing. Allele origin: germline.
Comment: This sequence change replaces histidine, which is basic and polar, with arginine, which is basic and polar, at codon 2830 of the LRP2 protein (p.His2830Arg). This variant is present in population databases (no rsID available, gnomAD 0.007%). This variant has not been reported in the literature in individuals affected with LRP2-related conditions. ClinVar contains an entry for this variant (Variation ID: 1061928). Invitae Evidence Modeling of protein sequence and biophysical properties (such as structural, functional, and spatial information, amino acid conservation, physicochemical variation, residue mobility, and thermodynamic stability) indicates that this missense variant is not expected to disrupt LRP2 protein function with a negative predictive value of 95%. In summary, the available evidence is currently insufficient to determine the role of this variant in disease. Therefore, it has been classified as a Variant of Uncertain Significance.

Ambry Genetics
Classification: Uncertain significance for Inborn genetic diseases. Last evaluated: 2025-04-10. Review status: criteria provided, single submitter. Criteria: Ambry Variant Classification Scheme 2023. Collection method: clinical testing. Allele origin: germline.